The following is an entry in ClinVar:

ClinVar aggregate classification (germline): Uncertain significance (1 of 4 stars; one submission).

gnomAD v4.1: 4 of 1,608,788 alleles (0.00025%); no homozygotes.

Submission:

Labcorp Genetics (formerly Invitae), Labcorp
Classification: Uncertain significance. Last evaluated: 2022-09-07. Review status: criteria provided, single submitter. Criteria: Invitae Variant Classification Sherloc (09022015). Collection method: clinical testing. Allele origin: germline.
Comment: This sequence change replaces lysine, which is basic and polar, with threonine, which is neutral and polar, at codon 649 of the HPS5 protein (p.Lys649Thr). This variant is present in population databases (rs199819778, gnomAD 0.0009%). This variant has not been reported in the literature in individuals affected with HPS5-related conditions. Algorithms developed to predict the effect of missense changes on protein structure and function (SIFT, PolyPhen-2, Align-GVGD) all suggest that this variant is likely to be tolerated. In summary, the available evidence is currently insufficient to determine the role of this variant in disease. Therefore, it has been classified as a Variant of Uncertain Significance.

NM_181507.2(HPS5):c.1946A>C (p.Lys649Thr)

Gene: HPS5 (HPS5 biogenesis of lysosomal organelles complex 2 subunit 2; minus strand). Cytogenetic location: 11p15.1.
Variant type: single nucleotide variant.
Coding change: c.1946A>C on transcript NM_181507.2 (MANE Select); coding-DNA position 1946, A replaced by C.
Protein change: p.Lys649Thr; replaces lysine 649 with threonine.
Molecular consequence: missense variant.
Genome position (GRCh38, 1-based): chr11:18,291,936, T>G on the plus strand (A>C on the coding strand, the complement: HPS5 is on the minus strand). VCF-style: chr11-18291936-T-G. GRCh37 (hg19) VCF-style: chr11-18313483-T-G.
Other names: c.1604A>C, p.Lys535Thr (NM_007216.4, NM_181508.2); short protein forms K535T, K649T.
Identifiers: ClinVar variation 1966961 (VCV001966961.2), dbSNP rs199819778, ClinGen allele CA218538925.
Genomic context (GRCh38, chr11:18,291,936, plus strand): 5'-AATTTCATGGATGAGTTGTCAGTATCTGAAACACCTGAAAAGTCCTTCATGGCAAATGTT[T>G]TTTCTAAATGTGAAAGCCACTCCTGTAAAACCATTCTCAGAGACTCGGATTCAAATAAAA-3'
Protein context (NP_852608.1, residues 639-659): VLQEWLSHLE[Lys649Thr]TFAMKDFSGV